The following is an entry in ClinVar:

NM_000173.7(GP1BA):c.380G>A (p.Arg127Gln)

Gene: GP1BA (glycoprotein Ib platelet subunit alpha; plus strand). Cytogenetic location: 17p13.2.
Variant type: single nucleotide variant.
Coding change: c.380G>A on transcript NM_000173.7 (MANE Select); coding-DNA position 380, G replaced by A.
Protein change: p.Arg127Gln; replaces arginine 127 with glutamine.
Molecular consequence: missense variant.
Genome position (GRCh38, 1-based): chr17:4,932,984, G>A. VCF-style: chr17-4932984-G-A. GRCh37 (hg19) VCF-style: chr17-4836279-G-A.
Other names: c.380G>A (NM_000173.6); short protein forms R127Q.
Identifiers: ClinVar variation 1684362 (VCV001684362.2), dbSNP rs749454966, ClinGen allele CA8314761.
Genomic context (GRCh38, chr17:4,932,984, plus strand): 5'-GCCTGCCCTTGCTAGGGCAGACACTGCCTGCTCTCACCGTCCTGGACGTCTCCTTCAACC[G>A]GCTGACCTCGCTGCCTCTTGGTGCCCTGCGTGGTCTTGGCGAACTCCAAGAGCTCTACCT-3'
Protein context (NP_000164.5, residues 117-137): ALTVLDVSFN[Arg127Gln]LTSLPLGALR

ClinVar aggregate classification (germline): Uncertain significance. Review status: criteria provided, single submitter (1 of 4 stars). 2 submissions from 2 submitters: Uncertain significance (1). 1 of the submissions does not count toward it. Last evaluated 2023-09-18.

Conditions:
Pseudo von Willebrand disease (VWDP). Also called: Platelet-type von Willebrand disease; BLEEDING DISORDER, PLATELET-TYPE, 3. Identifiers: Orphanet 52530, MedGen C1280798, MONDO:0008332, OMIM 177820.

Allele frequency attached by ClinVar (database versions not stated): gnomAD exomes 0.00002 and 0.00003; ExAC 0.00003; gnomAD 0.00003 and 0.00004; TOPMed 0.00003.

Submissions (2):

Women's Health and Genetics/Laboratory Corporation of America, LabCorp
Classification: Uncertain significance. Last evaluated: 2023-09-18. Review status: criteria provided, single submitter. Criteria: LabCorp Variant Classification Summary - May 2015. Collection method: clinical testing. Allele origin: germline.
Comment: Variant summary: GP1BA c.380G>A (p.Arg127Gln) results in a conservative amino acid change located in the Leucine-rich repeat (IPR001611) of the encoded protein sequence. Five of five in-silico tools predict a benign effect of the variant on protein function. The variant allele was found at a frequency of 2.9e-05 in 280606 control chromosomes (gnomAD). c.380G>A has been reported in the literature in at least one individual affected with Platelet-Type von Willebrand Disease (Bury_2022). These data do not allow any conclusion about variant significance. Experimental evidence using transfected CHO cells show the variant protein has increased affinity for VWF, indicating a gain-in-function, which is one possible mechanism of disease (OMIM 606672). The following publication have been ascertained in the context of this evaluation (PMID: 34619770). One ClinVar submitter has assessed the variant since 2014, and classified the variant as likely pathogenic. Based on the evidence outlined above, the variant was classified as VUS-possibly pathogenic.

ISTH-SSC Genomics in Thrombosis and Hemostasis, KU Leuven, Center for Molecular and Vascular Biology
Classification: Likely pathogenic for Pseudo von Willebrand disease. Review status: no assertion criteria provided. Collection method: clinical testing. Allele origin: unknown. Affected: yes. Not counted in ClinVar's aggregate classification.
Comment: Submitted to GoldVariant by Loredana Bury - Paolo Gresele from University of Perugia, Department of Medicine and Surgery, Centre for Hemostasis and Thrombosis, Italy

Literature cited by the submitters: PubMed 34619770 (cited by Women's Health and Genetics/Laboratory Corporation of America, LabCorp).